The following is an entry in ClinVar:

ClinVar aggregate classification (germline): Uncertain significance (1 of 4 stars; one submission).

Conditions:
Familial thoracic aortic aneurysm and aortic dissection (TAAD). Also called: Thoracic aortic aneurysms and dissections. Identifiers: Orphanet 91387, MedGen C4707243, MONDO:0019625.

Submission:

Ambry Genetics
Classification: Uncertain significance for Familial thoracic aortic aneurysm and aortic dissection. Last evaluated: 2026-06-01. Review status: criteria provided, single submitter. Criteria: Ambry Variant Classification Scheme 2023. Collection method: clinical testing. Allele origin: germline.
Comment: The p.C729S variant (also known as c.2186G>C), located in coding exon 16 of the FBN2 gene, results from a G to C substitution at nucleotide position 2186. The cysteine at codon 729 is replaced by serine, an amino acid with dissimilar properties. This amino acid position is conserved. In addition, this alteration is predicted to be deleterious by in silico analysis. Based on the available evidence, the clinical significance of this variant remains unclear.

NM_001999.4(FBN2):c.2186G>C (p.Cys729Ser)

Gene: FBN2 (fibrillin 2; minus strand). Cytogenetic location: 5q23.3.
Variant type: single nucleotide variant.
Coding change: c.2186G>C on transcript NM_001999.4 (MANE Select); coding-DNA position 2186, G replaced by C.
Protein change: p.Cys729Ser; replaces cysteine 729 with serine.
Molecular consequence: missense variant.
Genome position (GRCh38, 1-based): chr5:128,369,244, C>G on the plus strand (G>C on the coding strand, the complement: FBN2 is on the minus strand). VCF-style: chr5-128369244-C-G. GRCh37 (hg19) VCF-style: chr5-127704937-C-G.
Other names: short protein forms C729S.
Identifiers: ClinVar variation 4871266 (VCV004871266.1).